The following is an entry in ClinVar:

NM_000059.4(BRCA2):c.2576T>C (p.Val859Ala)

Gene: BRCA2 (BRCA2 DNA repair associated; plus strand). Cytogenetic location: 13q13.1.
Variant type: single nucleotide variant.
Coding change: c.2576T>C on transcript NM_000059.4 (MANE Select); coding-DNA position 2576, T replaced by C.
Protein change: p.Val859Ala; replaces valine 859 with alanine.
Molecular consequence: missense variant.
Genome position (GRCh38, 1-based): chr13:32,336,931, T>C. VCF-style: chr13-32336931-T-C. GRCh37 (hg19) VCF-style: chr13-32911068-T-C.
Other names: c.2576T>C (NM_000059.3); short protein forms V859A.
Identifiers: ClinVar variation 584852 (VCV000584852.15), dbSNP rs1566226964, ClinGen allele CA387772580.
Genomic context (GRCh38, chr13:32,336,931, plus strand): 5'-ACATGAGAGTAGCATCACCTTCAAGAAAGGTACAATTCAACCAAAACACAAATCTAAGAG[T>C]AATCCAAAAAAATCAAGAAGAAACTACTTCAATTTCAAAAATAACTGTCAATCCAGACTC-3'
Protein context (NP_000050.3, residues 849-869): VQFNQNTNLR[Val859Ala]IQKNQEETTS

ClinVar aggregate classification (germline): Conflicting classifications of pathogenicity. Review status: criteria provided, conflicting classifications (1 of 4 stars). 4 submissions from 4 submitters: Uncertain significance (2); Likely benign (2). Last evaluated 2025-08-04.

Conditions:
Hereditary breast ovarian cancer syndrome. Also called: Hereditary breast and ovarian cancer syndrome (HBOC); Breast and ovarian cancer; Hereditary breast and ovarian cancer syndrome; Hereditary breast and ovarian cancer; BRCA1- and BRCA2-Associated Hereditary Breast and Ovarian Cancer; Hereditary breast and/or ovarian cancer syndrome. Identifiers: Orphanet 145, MedGen C0677776, MeSH D061325, MONDO:0003582. Disease mechanism: loss of function.
Hereditary cancer-predisposing syndrome. Also called: Neoplastic Syndromes, Hereditary; Hereditary Cancer Syndrome; Tumor predisposition; Hereditary neoplastic syndrome. Identifiers: Orphanet 140162, MedGen C0027672, MeSH D009386, MONDO:0015356.
Breast-ovarian cancer, familial, susceptibility to, 2 (BROVCA2). Also called: BRCA2 Hereditary Breast and Ovarian Cancer. Identifiers: Orphanet 145, MedGen C2675520, MONDO:0012933, OMIM 612555. Disease mechanism: loss of function.

Submissions (4):

Labcorp Genetics (formerly Invitae), Labcorp
Classification: Likely benign for Hereditary breast ovarian cancer syndrome. Last evaluated: 2025-08-04. Review status: criteria provided, single submitter. Criteria: Invitae Variant Classification Sherloc (09022015). Collection method: clinical testing. Allele origin: germline.

Ambry Genetics
Classification: Uncertain significance for Hereditary cancer-predisposing syndrome. Last evaluated: 2023-08-14. Review status: criteria provided, single submitter. Criteria: Ambry Variant Classification Scheme 2023. Collection method: clinical testing. Allele origin: germline.
Comment: The p.V859A variant (also known as c.2576T>C), located in coding exon 10 of the BRCA2 gene, results from a T to C substitution at nucleotide position 2576. The valine at codon 859 is replaced by alanine, an amino acid with similar properties. This alteration was detected in a cohort of 1663 Brazilian breast cancer patients who underwent hereditary multigene panel testing (Guindalini RSC et al. Sci Rep, 2022 Mar;12:4190). This amino acid position is not well conserved in available vertebrate species. In addition, this alteration is predicted to be tolerated by in silico analysis. Since supporting evidence is limited at this time, the clinical significance of this alteration remains unclear.

University of Washington Department of Laboratory Medicine, University of Washington
Classification: Likely benign for Hereditary cancer-predisposing syndrome. Last evaluated: 2023-03-23. Review status: criteria provided, single submitter. Criteria: Dines et al. (Genet Med. 2020). Collection method: curation. Allele origin: germline.
Comment: Missense variant in a coldspot region where missense variants are very unlikely to be pathogenic (PMID:31911673).

BRCA2 exon 11 coldspot. Reclassification based on statistical prior probability.

Mendelics
Classification: Uncertain significance for Breast-ovarian cancer, familial, susceptibility to, 2. Last evaluated: 2019-05-28. Review status: criteria provided, single submitter. Criteria: Mendelics Assertion Criteria 2017. Collection method: clinical testing. Allele origin: unknown.

Literature cited by the submitters: PubMed 35264596 (cited by Ambry Genetics).